The following is an entry in ClinVar:

ClinVar aggregate classification (germline): Uncertain significance. Review status: criteria provided, multiple submitters, no conflicts (2 of 4 stars). 6 submissions from 6 submitters: Uncertain significance (6). Last evaluated 2025-12-21.

Conditions:
Cardiovascular phenotype. Identifiers: MedGen CN230736.
Hypertrophic cardiomyopathy 4. Also called: Familial hypertrophic cardiomyopathy 4. Identifiers: MedGen C1861862, MONDO:0007268, OMIM 115197.
Left ventricular noncompaction 10 (LVNC10). Identifiers: Orphanet 154, Orphanet 54260, MedGen C3715165, MONDO:0014163, OMIM 615396.
Cardiomyopathy (CMYO). Also called: Cardiomyopathies. Identifiers: Orphanet 167848, MedGen C0878544, MONDO:0004994, HP:0001638. Inheritance: Various modes of inheritance.
Hypertrophic cardiomyopathy. Also called: HYPERTROPHIC MYOCARDIOPATHY. Identifiers: Orphanet 217569, MedGen C0007194, MeSH D002312, MONDO:0005045, HP:0001639.

Allele frequency attached by ClinVar (database versions not stated): gnomAD 0.00001; TOPMed 0.00002.
gnomAD v4.1: 16 of 1,608,210 alleles (0.00099%); highest among the groups gnomAD compares: Middle Eastern, 0.016%; no homozygotes.

Submissions (6):

Labcorp Genetics (formerly Invitae), Labcorp
Classification: Uncertain significance for Hypertrophic cardiomyopathy. Last evaluated: 2025-12-21. Review status: criteria provided, single submitter. Criteria: Invitae Variant Classification Sherloc (09022015). Collection method: clinical testing. Allele origin: germline.
Comment: This sequence change replaces arginine, which is basic and polar, with cysteine, which is neutral and slightly polar, at codon 1037 of the MYBPC3 protein (p.Arg1037Cys). The frequency data for this variant in the population databases is considered unreliable, as metrics indicate poor data quality at this position in the gnomAD database. This missense change has been observed in individual(s) with hypertrophic cardiomyopathy (PMID: 24865491, 25132132, 37652022). ClinVar contains an entry for this variant (Variation ID: 574286). An algorithm developed to predict the effect of missense changes on protein structure and function (PolyPhen-2) suggests that this variant is likely to be disruptive. In summary, the available evidence is currently insufficient to determine the role of this variant in disease. Therefore, it has been classified as a Variant of Uncertain Significance.

Color Diagnostics, LLC DBA Color Health
Classification: Uncertain significance for Cardiomyopathy. Last evaluated: 2025-03-17. Review status: criteria provided, single submitter. Criteria: ACMG Guidelines, 2015. Collection method: clinical testing. Allele origin: germline.
Comment: This missense variant replaces arginine with cysteine at codon 1037 of the MYBPC3 protein. Computational prediction suggests that this variant may have a deleterious impact on protein structure and function. To our knowledge, functional studies have not been performed for this variant. This variant has been reported in two individuals affected with hypertrophic cardiomyopathy (PMID: 24865491, 25132132). This variant has not been identified in the general population by the Genome Aggregation Database (gnomAD). The available evidence is insufficient to determine the role of this variant in disease conclusively. Therefore, this variant is classified as a Variant of Uncertain Significance.

Ambry Genetics
Classification: Uncertain significance for Cardiovascular phenotype. Last evaluated: 2025-01-13. Review status: criteria provided, single submitter. Criteria: Ambry Variant Classification Scheme 2023. Collection method: clinical testing. Allele origin: germline.
Comment: The p.R1037C variant (also known as c.3109C>T), located in coding exon 29 of the MYBPC3 gene, results from a C to T substitution at nucleotide position 3109. The arginine at codon 1037 is replaced by cysteine, an amino acid with highly dissimilar properties. This variant was reported in individual(s) with features consistent with hypertrophic cardiomyopathy (HCM) (Su M et al. Int J Mol Sci, 2014 May;15:9302-13; Ambry internal data). This amino acid position is well conserved in available vertebrate species. In addition, this alteration is predicted to be tolerated by in silico analysis. Since supporting evidence is limited at this time, the clinical significance of this alteration remains unclear.

All of Us Research Program, National Institutes of Health
Classification: Uncertain significance for Hypertrophic cardiomyopathy. Last evaluated: 2024-05-09. Review status: criteria provided, single submitter. Criteria: ACMG Guidelines, 2015. Collection method: clinical testing. Allele origin: germline. Inheritance: Autosomal dominant inheritance. Observed: 8 variant alleles, 8 heterozygotes.
Comment: This missense variant replaces arginine with cysteine at codon 1037 of the MYBPC3 protein. Computational prediction is inconclusive regarding the impact of this variant on protein structure and function (internally defined REVEL score threshold 0.5 < inconclusive < 0.7, PMID: 27666373). Splice site prediction tools suggest that this variant may not impact RNA splicing. To our knowledge, functional studies have not been performed for this variant. This variant has been reported in one individual affected with hypertrophic cardiomyopathy (PMID: 25132132). This variant has not been identified in the general population by the Genome Aggregation Database (gnomAD). The available evidence is insufficient to determine the role of this variant in disease conclusively. Therefore, this variant is classified as a Variant of Uncertain Significance.

This study involves interpretation of variants in research participants for the purpose of population health screening. Participant phenotype was not available at the time of variant classification. Additional details can be found in publication PMID: 35346344, PMCID: PMC8962531

Blueprint Genetics
Classification: Uncertain significance. Last evaluated: 2023-10-25. Review status: criteria provided, single submitter. Criteria: ACMG Guidelines, 2015. Collection method: clinical testing. Allele origin: germline.

Fulgent Genetics
Classification: Uncertain significance for Hypertrophic cardiomyopathy 4; Left ventricular noncompaction 10. Last evaluated: 2021-10-13. Review status: criteria provided, single submitter. Criteria: ACMG Guidelines, 2015. Collection method: clinical testing. Allele origin: unknown.

Literature cited by the submitters: PubMed 24865491 (cited by 3 submitters); PubMed 25132132 (cited by 4 submitters); PubMed 37652022 (cited by Labcorp Genetics (formerly Invitae), Labcorp).

NM_000256.3(MYBPC3):c.3109C>T (p.Arg1037Cys)

Gene: MYBPC3 (myosin binding protein C3; minus strand). Cytogenetic location: 11p11.2.
Variant type: single nucleotide variant.
Coding change: c.3109C>T on transcript NM_000256.3 (MANE Select); coding-DNA position 3109, C replaced by T.
Protein change: p.Arg1037Cys; replaces arginine 1037 with cysteine.
Molecular consequence: missense variant.
Genome position (GRCh38, 1-based): chr11:47,333,638, G>A on the plus strand (C>T on the coding strand, the complement: MYBPC3 is on the minus strand). VCF-style: chr11-47333638-G-A. GRCh37 (hg19) VCF-style: chr11-47355189-G-A.
Other names: c.3109C>T, p.Arg1037Cys (LRG_386t1); short protein forms R1037C.
Identifiers: ClinVar variation 574286 (VCV000574286.18), dbSNP rs758421775, ClinGen allele CA079133.